The following is an entry in ClinVar:

ClinVar aggregate classification (germline): Uncertain significance (1 of 4 stars; one submission).

Allele frequency attached by ClinVar (database versions not stated): gnomAD exomes 0.00002; TOPMed 0.00002; gnomAD 0.00003.
gnomAD v4.1: 41 of 1,613,998 alleles (0.0025%); highest among the groups gnomAD compares: Middle Eastern, 0.016%; no homozygotes.

Submission:

Labcorp Genetics (formerly Invitae), Labcorp
Classification: Uncertain significance. Last evaluated: 2024-01-24. Review status: criteria provided, single submitter. Criteria: Invitae Variant Classification Sherloc (09022015). Collection method: clinical testing. Allele origin: germline.
Comment: This sequence change replaces arginine, which is basic and polar, with cysteine, which is neutral and slightly polar, at codon 629 of the ELP1 protein (p.Arg629Cys). This variant is present in population databases (no rsID available, gnomAD 0.006%). This variant has not been reported in the literature in individuals affected with ELP1-related conditions. ClinVar contains an entry for this variant (Variation ID: 2183138). Advanced modeling of protein sequence and biophysical properties (such as structural, functional, and spatial information, amino acid conservation, physicochemical variation, residue mobility, and thermodynamic stability) performed at Invitae indicates that this missense variant is not expected to disrupt ELP1 protein function with a negative predictive value of 80%. Algorithms developed to predict the effect of sequence changes on RNA splicing suggest that this variant may disrupt the consensus splice site. In summary, the available evidence is currently insufficient to determine the role of this variant in disease. Therefore, it has been classified as a Variant of Uncertain Significance.

NM_003640.5(ELP1):c.1885C>T (p.Arg629Cys)

Gene: ELP1 (elongator acetyltransferase complex subunit 1; minus strand). Cytogenetic location: 9q31.3.
Variant type: single nucleotide variant.
Coding change: c.1885C>T on transcript NM_003640.5 (MANE Select); coding-DNA position 1885, C replaced by T.
Protein change: p.Arg629Cys; replaces arginine 629 with cysteine.
Molecular consequence: missense variant.
Genome position (GRCh38, 1-based): chr9:108,901,651, G>A on the plus strand (C>T on the coding strand, the complement: ELP1 is on the minus strand). VCF-style: chr9-108901651-G-A. GRCh37 (hg19) VCF-style: chr9-111663931-G-A.
Other names: c.1543C>T, p.Arg515Cys (NM_001318360.2); c.838C>T, p.Arg280Cys (NM_001330749.2); short protein forms R629C, R280C, R515C.
Identifiers: ClinVar variation 2183138 (VCV002183138.2), dbSNP rs1457812727, ClinGen allele CA374424874.
Genomic context (GRCh38, chr9:108,901,651, plus strand): 5'-TGTGAAAAGGATCCAACACCAAACCAAGCCTTGATACCTCAATGTCATTGATGAAAAAGC[G>A]ACACCTGTCAGTCAGACCAAGGACACATTCCTGCAAAGAAATAAAACTGAAATCACAAGC-3'
Protein context (NP_003631.2, residues 619-639): ECVLGLTDRC[Arg629Cys]FFINDIEVAS